The following is an entry in ClinVar:

ClinVar aggregate classification (germline): Uncertain significance (1 of 4 stars; one submission).

Conditions:
Developmental and epileptic encephalopathy, 31A. Also called: Epileptic encephalopathy, early infantile, 31; Developmental and epileptic encephalopathy, 31. Identifiers: Orphanet 2382, MedGen C4225357, MONDO:0014598, OMIM 616346.

Submission:

Labcorp Genetics (formerly Invitae), Labcorp
Classification: Uncertain significance for Developmental and epileptic encephalopathy, 31A. Last evaluated: 2024-04-05. Review status: criteria provided, single submitter. Criteria: Invitae Variant Classification Sherloc (09022015). Collection method: clinical testing. Allele origin: germline.
Comment: This variant, c.1921_1923del, results in the deletion of 1 amino acid(s) of the DNM1 protein (p.Glu641del), but otherwise preserves the integrity of the reading frame. This variant is present in population databases (rs748362979, gnomAD 0.008%). This variant has not been reported in the literature in individuals affected with DNM1-related conditions. Experimental studies and prediction algorithms are not available or were not evaluated, and the functional significance of this variant is currently unknown. In summary, the available evidence is currently insufficient to determine the role of this variant in disease. Therefore, it has been classified as a Variant of Uncertain Significance.

NM_004408.4(DNM1):c.1918GAG[1] (p.Glu641del)

Gene: DNM1 (dynamin 1; plus strand). Cytogenetic location: 9q34.11.
Variant type: Microsatellite.
Coding change: c.1918GAG[1] on transcript NM_004408.4 (MANE Select); one copy of the 3-base unit GAG starting at c.1918; the reference has two copies in a row; one copy, 3 bases deleted.
Protein change: p.Glu641del; deletes glutamic acid 641.
Molecular consequence: inframe deletion.
Genome position (GRCh38, 1-based): chr9:128,248,598-128,248,600, GAG deleted; deleting any 3 consecutive bases within chr9:128,248,595-128,248,600 gives the same sequence; the position shown is the placement nearest the transcript's 3' end. VCF-style (leftmost placement, unchanged base first): chr9-128248594-CGAG-C. GRCh37 (hg19) VCF-style: chr9-131010873-CGAG-C.
Other names: c.1918GAG[1], p.Glu641del (NM_001005336.3, NM_001288737.2, NM_001288738.2 and 2 more transcripts); short protein forms E641del.
Identifiers: ClinVar variation 1010383 (VCV001010383.12), dbSNP rs748362979, ClinGen allele CA5258395.